The following is an entry in ClinVar:

NM_000334.4(SCN4A):c.82A>C (p.Ile28Leu)

Gene: SCN4A (sodium voltage-gated channel alpha subunit 4; minus strand). Cytogenetic location: 17q23.3.
Variant type: single nucleotide variant.
Coding change: c.82A>C on transcript NM_000334.4 (MANE Select); coding-DNA position 82, A replaced by C.
Protein change: p.Ile28Leu; replaces isoleucine 28 with leucine.
Molecular consequence: missense variant.
Genome position (GRCh38, 1-based): chr17:63,972,760, T>G on the plus strand (A>C on the coding strand, the complement: SCN4A is on the minus strand). VCF-style: chr17-63972760-T-G. GRCh37 (hg19) VCF-style: chr17-62050120-T-G.
Other names: p.Ile28Leu; short protein forms I28L.
Identifiers: ClinVar variation 324554 (VCV000324554.18), dbSNP rs886053250, ClinGen allele CA10646461.

ClinVar aggregate classification (germline): Uncertain significance. Review status: criteria provided, multiple submitters, no conflicts (2 of 4 stars). 10 submissions from 6 submitters: Uncertain significance (10). Last evaluated 2025-07-03.

Conditions:
Hypokalemic periodic paralysis, type 1. Also called: HypoPP; Hypokalemic Periodic Paralysis Type 1 (AD). Identifiers: Orphanet 681, MedGen C3714580, MONDO:0042979, OMIM 170400.
Hypokalemic periodic paralysis, type 2 (HOKPP2). Identifiers: Orphanet 681, MedGen C2750061, MONDO:0013234, OMIM 613345.
Congenital myasthenic syndrome 16. Identifiers: Orphanet 590, MedGen C3280112, MONDO:0013620, OMIM 614198.
Paramyotonia congenita of Von Eulenburg. Also called: Paramyotonia Congenita; PARALYSIS PERIODICA PARAMYOTONICA; Eulenburg disease; Myotonia congenita intermittens; Von Eulenburg paramyotonia congenita. Identifiers: Orphanet 684, MedGen C0221055, MONDO:0008195, OMIM 168300. Disease mechanism: loss of function.
Hyperkalemic periodic paralysis. Also called: Familial hyperkalemic periodic paralysis; Gamstorp disease. Identifiers: Orphanet 682, MedGen C0238357, MONDO:0008224, OMIM 170500, HP:0007215.
Potassium-aggravated myotonia. Also called: Myotonia congenita, atypical, acetazolamide-responsive; MYOTONIA CONGENITA, ACETAZOLAMIDE-RESPONSIVE; MYOTONIA CONGENITA, ATYPICAL; SODIUM CHANNEL MUSCLE DISEASE. Identifiers: Orphanet 612, Orphanet 99734, Orphanet 99735, Orphanet 99736, MedGen C2931826, MONDO:0018959, OMIM 608390.

Allele frequency attached by ClinVar (database versions not stated): gnomAD exomes 0.00002 and 0.00008; TOPMed 0.00002; gnomAD 0.00002.
gnomAD v4.1: 111 of 1,613,540 alleles (0.0069%); highest among the groups gnomAD compares: Non-Finnish European, 0.0093%; no homozygotes.

Submissions (10):

Labcorp Genetics (formerly Invitae), Labcorp
Classification: Uncertain significance for Hyperkalemic periodic paralysis. Last evaluated: 2025-07-03. Review status: criteria provided, single submitter. Criteria: Invitae Variant Classification Sherloc (09022015). Collection method: clinical testing. Allele origin: germline.
Comment: This sequence change replaces isoleucine, which is neutral and non-polar, with leucine, which is neutral and non-polar, at codon 28 of the SCN4A protein (p.Ile28Leu). This variant is present in population databases (no rsID available, gnomAD 0.005%). This variant has not been reported in the literature in individuals affected with SCN4A-related conditions. ClinVar contains an entry for this variant (Variation ID: 324554). Invitae Evidence Modeling of protein sequence and biophysical properties (such as structural, functional, and spatial information, amino acid conservation, physicochemical variation, residue mobility, and thermodynamic stability) has been performed for this missense variant. However, the output from this modeling did not meet the statistical confidence thresholds required to predict the impact of this variant on SCN4A protein function. In summary, the available evidence is currently insufficient to determine the role of this variant in disease. Therefore, it has been classified as a Variant of Uncertain Significance.

GeneDx
Classification: Uncertain significance. Last evaluated: 2024-03-06. Review status: criteria provided, single submitter. Criteria: GeneDx Variant Classification Process June 2021. Collection method: clinical testing. Allele origin: germline. Affected: yes.
Comment: Not observed at significant frequency in large population cohorts (gnomAD); In silico analysis supports that this missense variant does not alter protein structure/function; Has not been previously published as pathogenic or benign to our knowledge

Mayo Clinic Laboratories, Mayo Clinic
Classification: Uncertain significance. Last evaluated: 2024-02-29. Review status: criteria provided, single submitter. Criteria: ACMG Guidelines, 2015. Collection method: clinical testing. Allele origin: germline. Observed: 1 variant allele.

Fulgent Genetics
Classification: Uncertain significance for Paramyotonia congenita of Von Eulenburg; Hypokalemic periodic paralysis, type 1; Hyperkalemic periodic paralysis; Potassium-aggravated myotonia; Hypokalemic periodic paralysis, type 2; Congenital myasthenic syndrome 16. Last evaluated: 2021-12-15. Review status: criteria provided, single submitter. Criteria: ACMG Guidelines, 2015. Collection method: clinical testing. Allele origin: unknown.

Revvity Omics, Revvity
Classification: Uncertain significance. Last evaluated: 2020-09-03. Review status: criteria provided, single submitter. Criteria: ACMG Guidelines, 2015. Collection method: clinical testing. Allele origin: germline.

Illumina Laboratory Services, Illumina
Classification: Uncertain significance for Hypokalemic periodic paralysis, type 2. Last evaluated: 2018-01-12. Review status: criteria provided, single submitter. Criteria: ICSL Variant Classification Criteria 13 December 2019. Collection method: clinical testing. Allele origin: germline.

Illumina Laboratory Services, Illumina
Classification: Uncertain significance for Congenital myasthenic syndrome 16. Last evaluated: 2018-01-12. Review status: criteria provided, single submitter. Criteria: ICSL Variant Classification Criteria 13 December 2019. Collection method: clinical testing. Allele origin: germline.

Illumina Laboratory Services, Illumina
Classification: Uncertain significance for Paramyotonia congenita of Von Eulenburg. Last evaluated: 2018-01-12. Review status: criteria provided, single submitter. Criteria: ICSL Variant Classification Criteria 13 December 2019. Collection method: clinical testing. Allele origin: germline.

Illumina Laboratory Services, Illumina
Classification: Uncertain significance for Potassium-aggravated myotonia. Last evaluated: 2018-01-12. Review status: criteria provided, single submitter. Criteria: ICSL Variant Classification Criteria 13 December 2019. Collection method: clinical testing. Allele origin: germline.

Illumina Laboratory Services, Illumina
Classification: Uncertain significance for Hyperkalemic periodic paralysis. Last evaluated: 2018-01-12. Review status: criteria provided, single submitter. Criteria: ICSL Variant Classification Criteria 13 December 2019. Collection method: clinical testing. Allele origin: germline.